The following is an entry in ClinVar:

ClinVar aggregate classification (germline): Uncertain significance (1 of 4 stars; one submission).

Submission:

Labcorp Genetics (formerly Invitae), Labcorp
Classification: Uncertain significance. Last evaluated: 2023-08-04. Review status: criteria provided, single submitter. Criteria: Invitae Variant Classification Sherloc (09022015). Collection method: clinical testing. Allele origin: germline.
Comment: This variant has not been reported in the literature in individuals affected with PDE10A-related conditions. In summary, the available evidence is currently insufficient to determine the role of this variant in disease. Therefore, it has been classified as a Variant of Uncertain Significance. Advanced modeling of protein sequence and biophysical properties (such as structural, functional, and spatial information, amino acid conservation, physicochemical variation, residue mobility, and thermodynamic stability) performed at Invitae indicates that this missense variant is expected to disrupt PDE10A protein function. ClinVar contains an entry for this variant (Variation ID: 1718481). This variant is not present in population databases (gnomAD no frequency). This sequence change replaces alanine, which is neutral and non-polar, with glutamic acid, which is acidic and polar, at codon 530 of the PDE10A protein (p.Ala530Glu).

NM_001385079.1(PDE10A):c.2387C>A (p.Ala796Glu)

Gene: PDE10A (phosphodiesterase 10A; minus strand). Cytogenetic location: 6q27.
Variant type: single nucleotide variant.
Coding change: c.2387C>A on transcript NM_001385079.1 (MANE Select); coding-DNA position 2387, C replaced by A.
Protein change: p.Ala796Glu; replaces alanine 796 with glutamic acid.
Molecular consequence: missense variant.
Genome position (GRCh38, 1-based): chr6:165,392,713, G>T on the plus strand (C>A on the coding strand, the complement: PDE10A is on the minus strand). VCF-style: chr6-165392713-G-T. GRCh37 (hg19) VCF-style: chr6-165806202-G-T.
Other names: c.1589C>A, p.Ala530Glu (NM_001130690.3); c.1559C>A, p.Ala520Glu (NM_006661.4); short protein forms A520E, A530E, A796E.
Identifiers: ClinVar variation 1718481 (VCV001718481.5), dbSNP rs749581970, ClinGen allele CA366394357.